The following is an entry in ClinVar:

NM_022455.5(NSD1):c.3109C>G (p.Gln1037Glu)

Gene: NSD1 (nuclear receptor binding SET domain protein 1; plus strand). Cytogenetic location: 5q35.3.
Variant type: single nucleotide variant.
Coding change: c.3109C>G on transcript NM_022455.5 (MANE Select); coding-DNA position 3109, C replaced by G.
Protein change: p.Gln1037Glu; replaces glutamine 1037 with glutamic acid.
Molecular consequence: missense variant.
Genome position (GRCh38, 1-based): chr5:177,211,508, C>G. VCF-style: chr5-177211508-C-G. GRCh37 (hg19) VCF-style: chr5-176638509-C-G.
Other names: c.2236C>G, p.Gln746Glu (NM_001365684.2, NM_001409306.1, NM_001409307.1 and 3 more transcripts); c.3109C>G, p.Gln1037Glu (NM_001409301.1, NM_001409302.1, NM_001409303.1); c.2689C>G, p.Gln897Glu (NM_001409304.1); c.2356C>G, p.Gln786Glu (NM_001409305.1); short protein forms Q1037E, Q786E, Q897E, Q746E.
Identifiers: ClinVar variation 3664974 (VCV003664974.2).

ClinVar aggregate classification (germline): Uncertain significance (1 of 4 stars; one submission).

Submission:

Labcorp Genetics (formerly Invitae), Labcorp
Classification: Uncertain significance. Last evaluated: 2023-01-19. Review status: criteria provided, single submitter. Criteria: Invitae Variant Classification Sherloc (09022015). Collection method: clinical testing. Allele origin: germline.
Comment: This sequence change replaces glutamine, which is neutral and polar, with glutamic acid, which is acidic and polar, at codon 1037 of the NSD1 protein (p.Gln1037Glu). In summary, the available evidence is currently insufficient to determine the role of this variant in disease. Therefore, it has been classified as a Variant of Uncertain Significance. Advanced modeling of protein sequence and biophysical properties (such as structural, functional, and spatial information, amino acid conservation, physicochemical variation, residue mobility, and thermodynamic stability) performed at Invitae indicates that this missense variant is not expected to disrupt NSD1 protein function. This variant has not been reported in the literature in individuals affected with NSD1-related conditions. This variant is not present in population databases (gnomAD no frequency).